The following is an entry in ClinVar:

NM_005188.4(CBL):c.1299G>A (p.Pro433=)

Gene: CBL (Cbl proto-oncogene; plus strand). Cytogenetic location: 11q23.3.
Variant type: single nucleotide variant.
Coding change: c.1299G>A on transcript NM_005188.4 (MANE Select); coding-DNA position 1299, G replaced by A.
Protein change: p.Pro433=; no amino-acid change (proline 433 retained).
Molecular consequence: synonymous variant.
Genome position (GRCh38, 1-based): chr11:119,278,581, G>A. VCF-style: chr11-119278581-G-A. GRCh37 (hg19) VCF-style: chr11-119149291-G-A.
Other names: c.1299G>A (NM_005188.2).
Identifiers: ClinVar variation 477695 (VCV000477695.46), dbSNP rs199633558, ClinGen allele CA6318491.

ClinVar aggregate classification (germline): Benign/Likely benign. Review status: criteria provided, multiple submitters, no conflicts (2 of 4 stars). 9 submissions from 9 submitters: Benign (5); Likely benign (3). 1 of the submissions does not count toward it. Last evaluated 2026-01-21.

Conditions:
Cardiovascular phenotype. Identifiers: MedGen CN230736.
RASopathy. Also called: rasopathies; Noonan spectrum disorder. Identifiers: Orphanet 536391, MedGen C5555857, MONDO:0021060.
Juvenile myelomonocytic leukemia (JMML). Also called: LEUKEMIA, JUVENILE MYELOMONOCYTIC, SOMATIC. Identifiers: Orphanet 86834, MedGen C0349639, MONDO:0011908, OMIM 607785, HP:0012209.
CBL-related disorder. Also called: NOONAN SYNDROME-LIKE DISORDER WITHOUT JUVENILE MYELOMONOCYTIC LEUKEMIA; CBL MUTATION-ASSOCIATED SYNDROME; CBL SYNDROME. Identifiers: Orphanet 363972, MedGen C3150803, MONDO:0013308, OMIM 613563.

Allele frequency attached by ClinVar (database versions not stated): gnomAD 0.00007 and 0.00021; TOPMed 0.00009; ExAC 0.00068; 1000 Genomes Project 0.00140; 1000 Genomes Project 30x 0.00141.
gnomAD v4.1: 502 of 1,614,136 alleles (0.031%); highest among the groups gnomAD compares: South Asian, 0.51%; 9 homozygotes.

Submissions (9):

Labcorp Genetics (formerly Invitae), Labcorp
Classification: Benign for RASopathy. Last evaluated: 2026-01-21. Review status: criteria provided, single submitter. Criteria: Invitae Variant Classification Sherloc (09022015). Collection method: clinical testing. Allele origin: germline.

KCCC/NGS Laboratory, Kuwait Cancer Control Center
Classification: Benign for Juvenile myelomonocytic leukemia. Last evaluated: 2025-02-01. Review status: criteria provided, single submitter. Criteria: ACMG Guidelines, 2015. Collection method: clinical testing. Allele origin: germline. Affected: no.

Ambry Genetics
Classification: Benign for Cardiovascular phenotype. Last evaluated: 2024-11-06. Review status: criteria provided, single submitter. Criteria: Ambry Variant Classification Scheme 2023. Collection method: clinical testing. Allele origin: germline.

Blueprint Genetics
Classification: Likely benign. Last evaluated: 2024-09-11. Review status: criteria provided, single submitter. Criteria: ACMG Guidelines, 2015. Collection method: clinical testing. Allele origin: germline.

CeGaT Center for Human Genetics Tuebingen
Classification: Benign. Last evaluated: 2022-04-01. Review status: criteria provided, single submitter. Criteria: CeGaT Center For Human Genetics Tuebingen Variant Classification Criteria Version 2. Collection method: clinical testing. Allele origin: germline. Affected: yes. Observed: 1 variant allele.
Comment: CBL: BS1, BS2

Women's Health and Genetics/Laboratory Corporation of America, LabCorp
Classification: Benign. Last evaluated: 2019-12-14. Review status: criteria provided, single submitter. Criteria: LabCorp Variant Classification Summary - May 2015. Collection method: clinical testing. Allele origin: germline.

GeneDx
Classification: Likely benign. Last evaluated: 2018-07-27. Review status: criteria provided, single submitter. Criteria: GeneDx Variant Classification Process June 2021. Collection method: clinical testing. Allele origin: germline. Affected: yes.
Comment: This variant is associated with the following publications: (PMID: 22810696)

Genetic Services Laboratory, University of Chicago
Classification: Likely benign. Last evaluated: 2018-04-24. Review status: criteria provided, single submitter. Criteria: ACMG Guidelines, 2015. Collection method: clinical testing. Allele origin: germline. Affected: no.

PreventionGenetics, part of Exact Sciences
Classification: Benign for CBL-related condition. Last evaluated: 2019-11-27. Review status: no assertion criteria provided. Collection method: clinical testing. Allele origin: germline. Not counted in ClinVar's aggregate classification.
Comment: This variant is classified as benign based on ACMG/AMP sequence variant interpretation guidelines (Richards et al. 2015 PMID: 25741868, with internal and published modifications).

Literature cited by the submitters: PubMed 25224413 (cited by Women's Health and Genetics/Laboratory Corporation of America, LabCorp); PubMed 21828135 (cited by Women's Health and Genetics/Laboratory Corporation of America, LabCorp); PubMed 23690417 (cited by Women's Health and Genetics/Laboratory Corporation of America, LabCorp); PubMed 19387008 (cited by Women's Health and Genetics/Laboratory Corporation of America, LabCorp); PubMed 19901108 (cited by Women's Health and Genetics/Laboratory Corporation of America, LabCorp); PubMed 20951944 (cited by Women's Health and Genetics/Laboratory Corporation of America, LabCorp); PubMed 19620960 (cited by Women's Health and Genetics/Laboratory Corporation of America, LabCorp); PubMed 22733026 (cited by Women's Health and Genetics/Laboratory Corporation of America, LabCorp); PubMed 29296819 (cited by Women's Health and Genetics/Laboratory Corporation of America, LabCorp); PubMed 27069254 (cited by Women's Health and Genetics/Laboratory Corporation of America, LabCorp).